The following is an entry in ClinVar:

NM_004369.4(COL6A3):c.9241C>T (p.Pro3081Ser)

Gene: COL6A3 (collagen type VI alpha 3 chain; minus strand). Cytogenetic location: 2q37.3.
Variant type: single nucleotide variant.
Coding change: c.9241C>T on transcript NM_004369.4 (MANE Select); coding-DNA position 9241, C replaced by T.
Protein change: p.Pro3081Ser; replaces proline 3081 with serine.
Molecular consequence: missense variant.
Genome position (GRCh38, 1-based): chr2:237,333,537, G>A on the plus strand (C>T on the coding strand, the complement: COL6A3 is on the minus strand). VCF-style: chr2-237333537-G-A. GRCh37 (hg19) VCF-style: chr2-238242180-G-A.
Other names: c.7420C>T, p.Pro2474Ser (NM_057166.5); c.8623C>T, p.Pro2875Ser (NM_057167.4); short protein forms P2474S, P3081S, P2875S.
Identifiers: ClinVar variation 1034891 (VCV001034891.9), dbSNP rs1700374826, ClinGen allele CA351187493.

ClinVar aggregate classification (germline): Uncertain significance (1 of 4 stars; one submission).

Conditions:
Bethlem myopathy 1A. Also called: Bethlem Muscular Dystrophy; MYOPATHY, BENIGN CONGENITAL, WITH CONTRACTURES; Bethlem myopathy 1. Identifiers: Orphanet 610, MedGen CN029274, MONDO:0024530, OMIM 158810.

Allele frequency attached by ClinVar (database versions not stated): gnomAD exomes below 0.00001.
gnomAD v4.1: 2 of 1,614,134 alleles (0.00012%); highest among the groups gnomAD compares: Non-Finnish European, 0.00017%; no homozygotes.

Submission:

Labcorp Genetics (formerly Invitae), Labcorp
Classification: Uncertain significance for Bethlem myopathy 1A. Last evaluated: 2022-10-17. Review status: criteria provided, single submitter. Criteria: Invitae Variant Classification Sherloc (09022015). Collection method: clinical testing. Allele origin: germline.
Comment: In summary, the available evidence is currently insufficient to determine the role of this variant in disease. Therefore, it has been classified as a Variant of Uncertain Significance. Advanced modeling of protein sequence and biophysical properties (such as structural, functional, and spatial information, amino acid conservation, physicochemical variation, residue mobility, and thermodynamic stability) performed at Invitae indicates that this missense variant is not expected to disrupt COL6A3 protein function. ClinVar contains an entry for this variant (Variation ID: 1034891). This variant has not been reported in the literature in individuals affected with COL6A3-related conditions. This variant is not present in population databases (gnomAD no frequency). This sequence change replaces proline, which is neutral and non-polar, with serine, which is neutral and polar, at codon 3081 of the COL6A3 protein (p.Pro3081Ser).